The following is an entry in ClinVar:

NM_004985.5(KRAS):c.-163AGC[3]

Genes: KRAS (KRAS proto-oncogene, GTPase; minus strand), LOC130007561 (ATAC-STARR-seq lymphoblastoid silent region 4294; plus strand). Cytogenetic location: 12p12.1.
Variant type: Microsatellite.
Coding change: c.-163AGC[3] on transcript NM_004985.5 (MANE Select); three copies in a row of the 3-base unit AGC starting at c.-163; the reference has two copies in a row; one copy, 3 bases duplicated.
Molecular consequence: 5 prime UTR variant.
Genome position (GRCh38, 1-based): chr12:25,250,897-25,250,899, GCT duplicated on the plus strand (AGC on the coding strand, the reverse complement: KRAS is on the minus strand); duplicating any 3 consecutive bases within chr12:25,250,897-25,250,904 gives the same sequence; the position shown is the placement nearest the transcript's 3' end. VCF-style (leftmost placement, unchanged base first): chr12-25250896-C-CGCT. GRCh37 (hg19) VCF-style: chr12-25403830-C-CGCT.
Other names: c.-150AGC[3] (NM_001369786.1, NM_001369787.1); c.-163AGC[3] (NM_033360.4).
Identifiers: ClinVar variation 45111 (VCV000045111.4), dbSNP rs397517034, ClinGen allele CA135546.

ClinVar aggregate classification (germline): Likely benign (1 of 4 stars; one submission).

Submission:

Laboratory for Molecular Medicine, Mass General Brigham Personalized Medicine
Classification: Likely benign. Last evaluated: 2011-08-12. Review status: criteria provided, single submitter. Criteria: LMM Criteria. Collection method: clinical testing. Allele origin: germline. Observed: 1 variant allele.
Comment: -160_-158dupAGC in KRAS 5' UTR: This variant has not been previously reported in the literature or been identified in our laboratory. The 5' UTR plays a role in the regulation of gene expression and variants in this region have been shown t o alter protein translation (Mendell 2001, Scheper 2007). This type of variant h as not been previously reported in an individual with a Noonan spectrum disorder .

Literature cited by the submitters: PubMed 11719181; PubMed 17680008.